The following is an entry in ClinVar:

NM_001206927.2(DNAH8):c.13589C>G (p.Ser4530Cys)

Gene: DNAH8 (dynein axonemal heavy chain 8; plus strand). Cytogenetic location: 6p21.2.
Variant type: single nucleotide variant.
Coding change: c.13589C>G on transcript NM_001206927.2 (MANE Select); coding-DNA position 13589, C replaced by G.
Protein change: p.Ser4530Cys; replaces serine 4530 with cysteine.
Molecular consequence: missense variant.
Genome position (GRCh38, 1-based): chr6:39,012,512, C>G. VCF-style: chr6-39012512-C-G. GRCh37 (hg19) VCF-style: chr6-38980288-C-G.
Other names: c.13589C>G (NM_001206927.1); c.12938C>G, p.Ser4313Cys (NM_001371.4); short protein forms S4530C, S4313C.
Identifiers: ClinVar variation 1473324 (VCV001473324.7), dbSNP rs761515917, ClinGen allele CA3791709.

ClinVar aggregate classification (germline): Uncertain significance. Review status: criteria provided, multiple submitters, no conflicts (2 of 4 stars). 2 submissions from 2 submitters: Uncertain significance (2). Last evaluated 2025-05-14.

Conditions:
Primary ciliary dyskinesia. Also called: Ciliary dyskinesia. Identifiers: Orphanet 244, MedGen C0008780, MONDO:0016575, HP:0012265.

Allele frequency attached by ClinVar (database versions not stated): gnomAD exomes 0.00001 and 0.00002; TOPMed 0.00002; ExAC 0.00003.
gnomAD v4.1: 6 of 1,614,054 alleles (0.00037%); highest among the groups gnomAD compares: Admixed American, 0.01%; no homozygotes.

Submissions (2):

Ambry Genetics
Classification: Uncertain significance. Last evaluated: 2025-05-14. Review status: criteria provided, single submitter. Criteria: Ambry Variant Classification Scheme 2023. Collection method: clinical testing. Allele origin: germline.

Labcorp Genetics (formerly Invitae), Labcorp
Classification: Uncertain significance for Primary ciliary dyskinesia. Last evaluated: 2023-03-24. Review status: criteria provided, single submitter. Criteria: Invitae Variant Classification Sherloc (09022015). Collection method: clinical testing. Allele origin: germline.
Comment: In summary, the available evidence is currently insufficient to determine the role of this variant in disease. Therefore, it has been classified as a Variant of Uncertain Significance. Advanced modeling of protein sequence and biophysical properties (such as structural, functional, and spatial information, amino acid conservation, physicochemical variation, residue mobility, and thermodynamic stability) has been performed at Invitae for this missense variant, however the output from this modeling did not meet the statistical confidence thresholds required to predict the impact of this variant on DNAH8 protein function. ClinVar contains an entry for this variant (Variation ID: 1473324). This variant has not been reported in the literature in individuals affected with DNAH8-related conditions. This variant is present in population databases (rs761515917, gnomAD 0.02%). This sequence change replaces serine, which is neutral and polar, with cysteine, which is neutral and slightly polar, at codon 4530 of the DNAH8 protein (p.Ser4530Cys).